The following is an entry in ClinVar:

ClinVar aggregate classification (germline): Uncertain significance (1 of 4 stars; one submission).

Conditions:
PMM2-congenital disorder of glycosylation. Also called: PMM2-CDG; JAEKEN SYNDROME; PHOSPHOMANNOMUTASE 2 DEFICIENCY; CDG Ia; Congenital disorder of glycosylation, type Ia; CARBOHYDRATE-DEFICIENT GLYCOPROTEIN SYNDROME, TYPE Ia. Identifiers: Orphanet 79318, MedGen C0349653, MONDO:0008907, OMIM 212065.

gnomAD v4.1: 3 of 1,608,344 alleles (0.00019%); highest among the groups gnomAD compares: Non-Finnish European, 0.00025%; no homozygotes.

Submission:

Institute of Human Genetics, University of Leipzig Medical Center
Classification: Uncertain significance for PMM2-congenital disorder of glycosylation. Last evaluated: 2021-10-29. Review status: criteria provided, single submitter. Criteria: ACMG Guidelines, 2015. Collection method: clinical testing. Allele origin: unknown. Affected: yes.
Comment: _x000D_This variant was identified heterozygous wih NM_000303.3:c.484C>T Criteria applied: PM2_SUP, PP3

NM_000303.3(PMM2):c.47C>T (p.Thr16Ile)

Gene: PMM2 (phosphomannomutase 2; plus strand). Cytogenetic location: 16p13.2.
Variant type: single nucleotide variant.
Coding change: c.47C>T on transcript NM_000303.3 (MANE Select); coding-DNA position 47, C replaced by T.
Protein change: p.Thr16Ile; replaces threonine 16 with isoleucine.
Molecular consequence: missense variant.
Genome position (GRCh38, 1-based): chr16:8,797,929, C>T. VCF-style: chr16-8797929-C-T. GRCh37 (hg19) VCF-style: chr16-8891786-C-T.
Other names: short protein forms T16I.
Identifiers: ClinVar variation 1325806 (VCV001325806.1), dbSNP rs1162452555, ClinGen allele CA394694875.